The following is an entry in ClinVar:

ClinVar aggregate classification (germline): Uncertain significance. Review status: criteria provided, multiple submitters, no conflicts (2 of 4 stars). 3 submissions from 3 submitters: Uncertain significance (3). Last evaluated 2025-01-28.

Conditions:
Inborn genetic diseases. Identifiers: MedGen C0950123, MeSH D030342.

Allele frequency attached by ClinVar (database versions not stated): ExAC 0.00002; TOPMed 0.00002; gnomAD 0.00003; gnomAD exomes 0.00004; ESP Exome Variant Server 0.00015.
gnomAD v4.1: 70 of 1,613,964 alleles (0.0043%); highest among the groups gnomAD compares: Non-Finnish European, 0.0053%; no homozygotes.

Submissions (3):

Labcorp Genetics (formerly Invitae), Labcorp
Classification: Uncertain significance. Last evaluated: 2025-01-28. Review status: criteria provided, single submitter. Criteria: Invitae Variant Classification Sherloc (09022015). Collection method: clinical testing. Allele origin: germline.
Comment: This sequence change replaces phenylalanine, which is neutral and non-polar, with serine, which is neutral and polar, at codon 150 of the POGLUT1 protein (p.Phe150Ser). This variant is present in population databases (rs147356960, gnomAD 0.005%). This variant has not been reported in the literature in individuals affected with POGLUT1-related conditions. ClinVar contains an entry for this variant (Variation ID: 2404777). Invitae Evidence Modeling of protein sequence and biophysical properties (such as structural, functional, and spatial information, amino acid conservation, physicochemical variation, residue mobility, and thermodynamic stability) indicates that this missense variant is expected to disrupt POGLUT1 protein function with a positive predictive value of 80%. In summary, the available evidence is currently insufficient to determine the role of this variant in disease. Therefore, it has been classified as a Variant of Uncertain Significance.

Ambry Genetics
Classification: Uncertain significance for Inborn genetic diseases. Last evaluated: 2022-12-13. Review status: criteria provided, single submitter. Criteria: Ambry Variant Classification Scheme 2023. Collection method: clinical testing. Allele origin: germline.

Blueprint Genetics
Classification: Uncertain significance. Last evaluated: 2018-10-11. Review status: criteria provided, single submitter. Criteria: ACMG Guidelines, 2015. Collection method: clinical testing. Allele origin: germline.

NM_152305.3(POGLUT1):c.449T>C (p.Phe150Ser)

Gene: POGLUT1 (protein O-glucosyltransferase 1; plus strand). Cytogenetic location: 3q13.33.
Variant type: single nucleotide variant.
Coding change: c.449T>C on transcript NM_152305.3 (MANE Select); coding-DNA position 449, T replaced by C.
Protein change: p.Phe150Ser; replaces phenylalanine 150 with serine.
Molecular consequence: missense variant. On other transcripts: non-coding transcript variant (1).
Genome position (GRCh38, 1-based): chr3:119,477,441, T>C. VCF-style: chr3-119477441-T-C. GRCh37 (hg19) VCF-style: chr3-119196288-T-C.
Other names: c.449T>C, p.Phe150Ser (NM_020231.3); short protein forms F150S.
Identifiers: ClinVar variation 2404777 (VCV002404777.6), dbSNP rs147356960, ClinGen allele CA2554843.
Genomic context (GRCh38, chr3:119,477,441, plus strand): 5'-ATGTACGAGATTATCCTCAGGTTCCTAAATGGATGGAGCCTGCCATCCCAGTCTTCTCCT[T>C]CAGTAAGGTAAGTACAGGGAGAGCCACATGGGTGGATGGAGAGTGGTCCTCTAGGATATG-3'
Protein context (NP_689518.1, residues 140-160): WMEPAIPVFS[Phe150Ser]SKTSEYHDIM